The following is an entry in ClinVar:

NM_006172.4(NPPA):c.154C>T (p.Pro52Ser)

Genes: NPPA (natriuretic peptide A; minus strand), NPPA-AS1 (NPPA antisense RNA 1; plus strand), LOC114827827 (VISTA enhancer hs2123; plus strand). Cytogenetic location: 1p36.22.
Variant type: single nucleotide variant.
Coding change: c.154C>T on transcript NM_006172.4 (MANE Select); coding-DNA position 154, C replaced by T.
Protein change: p.Pro52Ser; replaces proline 52 with serine.
Molecular consequence: missense variant.
Genome position (GRCh38, 1-based): chr1:11,847,409, G>A on the plus strand (C>T on the coding strand, the complement: NPPA is on the minus strand). VCF-style: chr1-11847409-G-A. GRCh37 (hg19) VCF-style: chr1-11907466-G-A.
Other names: c.154C>T (NM_006172.3); short protein forms P52S.
Identifiers: ClinVar variation 1025429 (VCV001025429.9), dbSNP rs1278041804, ClinGen allele CA338451427.
Genomic context (GRCh38, chr1:11,847,409, plus strand): 5'-CCCCCGCTTCTTCATTCGGCTCACTGAGCACTTGTGGGGGCACGACCTCATCTTCTAAAG[G>A]CATCTTTTCTTCCAAATGGTCCAGCAAATTCTTTAGAAAAGGAAAATACAGGGAAAGGGA-3'
Protein context (NP_006163.1, residues 42-62): NLLDHLEEKM[Pro52Ser]LEDEVVPPQV

ClinVar aggregate classification (germline): Uncertain significance. Review status: criteria provided, multiple submitters, no conflicts (2 of 4 stars). 2 submissions from 2 submitters: Uncertain significance (2). Last evaluated 2025-08-03.

Conditions:
Inborn genetic diseases. Identifiers: MedGen C0950123, MeSH D030342.
Atrial fibrillation, familial, 6 (ATFB6). Identifiers: MedGen C2677294, MONDO:0012816, OMIM 612201.

Allele frequency attached by ClinVar (database versions not stated): gnomAD 0.00001; TOPMed 0.00002.
gnomAD v4.1: 3 of 1,613,964 alleles (0.00019%); highest among the groups gnomAD compares: Non-Finnish European, 0.00025%; no homozygotes.

Submissions (2):

Ambry Genetics
Classification: Uncertain significance for Inborn genetic diseases. Last evaluated: 2025-08-03. Review status: criteria provided, single submitter. Criteria: Ambry Variant Classification Scheme 2023. Collection method: clinical testing. Allele origin: germline.

Labcorp Genetics (formerly Invitae), Labcorp
Classification: Uncertain significance for Atrial fibrillation, familial, 6. Last evaluated: 2020-02-27. Review status: criteria provided, single submitter. Criteria: Invitae Variant Classification Sherloc (09022015). Collection method: clinical testing. Allele origin: germline.
Comment: This sequence change replaces proline with serine at codon 52 of the NPPA protein (p.Pro52Ser). The proline residue is highly conserved and there is a moderate physicochemical difference between proline and serine. This variant is not present in population databases (ExAC no frequency). This variant has not been reported in the literature in individuals with NPPA-related conditions. Algorithms developed to predict the effect of missense changes on protein structure and function are either unavailable or do not agree on the potential impact of this missense change (SIFT: "Deleterious"; PolyPhen-2: "Benign"; Align-GVGD: "Class C65"). In summary, the available evidence is currently insufficient to determine the role of this variant in disease. Therefore, it has been classified as a Variant of Uncertain Significance.